The following is an entry in ClinVar:

NM_001102469.2(LIPN):c.335A>T (p.Tyr112Phe)

Gene: LIPN (lipase family member N; plus strand). Cytogenetic location: 10q23.31.
Variant type: single nucleotide variant.
Coding change: c.335A>T on transcript NM_001102469.2 (MANE Select); coding-DNA position 335, A replaced by T.
Protein change: p.Tyr112Phe; replaces tyrosine 112 with phenylalanine.
Molecular consequence: missense variant.
Genome position (GRCh38, 1-based): chr10:88,764,518, A>T. VCF-style: chr10-88764518-A-T. GRCh37 (hg19) VCF-style: chr10-90524275-A-T.
Other names: short protein forms Y112F.
Identifiers: ClinVar variation 2527562 (VCV002527562.4), dbSNP rs367555001, ClinGen allele CA5591835.

ClinVar aggregate classification (germline): Uncertain significance. Review status: criteria provided, multiple submitters, no conflicts (2 of 4 stars). 2 submissions from 2 submitters: Uncertain significance (2). Last evaluated 2025-07-15.

Allele frequency attached by ClinVar (database versions not stated): ExAC 0.00002; gnomAD 0.00003; TOPMed 0.00003; ESP Exome Variant Server 0.00008.

Submissions (2):

Ambry Genetics
Classification: Uncertain significance. Last evaluated: 2025-07-15. Review status: criteria provided, single submitter. Criteria: Ambry Variant Classification Scheme 2023. Collection method: clinical testing. Allele origin: germline.

GeneDx
Classification: Uncertain significance. Last evaluated: 2024-04-13. Review status: criteria provided, single submitter. Criteria: GeneDx Variant Classification Process June 2021. Collection method: clinical testing. Allele origin: germline. Affected: yes.
Comment: Has not been previously published as pathogenic or benign to our knowledge; In silico analysis indicates that this missense variant does not alter protein structure/function